The following is an entry in ClinVar:

NM_004551.3(NDUFS3):c.713C>T (p.Pro238Leu)

Gene: NDUFS3 (NADH:ubiquinone oxidoreductase core subunit S3; plus strand). Cytogenetic location: 11p11.2.
Variant type: single nucleotide variant.
Coding change: c.713C>T on transcript NM_004551.3 (MANE Select); coding-DNA position 713, C replaced by T.
Protein change: p.Pro238Leu; replaces proline 238 with leucine.
Molecular consequence: missense variant.
Genome position (GRCh38, 1-based): chr11:47,584,399, C>T. VCF-style: chr11-47584399-C-T. GRCh37 (hg19) VCF-style: chr11-47605951-C-T.
Other names: short protein forms P238L.
Identifiers: ClinVar variation 2185309 (VCV002185309.4), dbSNP rs768720812, ClinGen allele CA5978082.

ClinVar aggregate classification (germline): Uncertain significance (1 of 4 stars; one submission).

Allele frequency attached by ClinVar (database versions not stated): gnomAD exomes 0.00001; TOPMed 0.00001; ExAC 0.00002.

Submission:

Labcorp Genetics (formerly Invitae), Labcorp
Classification: Uncertain significance. Last evaluated: 2022-06-22. Review status: criteria provided, single submitter. Criteria: Invitae Variant Classification Sherloc (09022015). Collection method: clinical testing. Allele origin: germline.
Comment: In summary, the available evidence is currently insufficient to determine the role of this variant in disease. Therefore, it has been classified as a Variant of Uncertain Significance. Algorithms developed to predict the effect of missense changes on protein structure and function (SIFT, PolyPhen-2, Align-GVGD) all suggest that this variant is likely to be disruptive. This variant has not been reported in the literature in individuals affected with NDUFS3-related conditions. This variant is present in population databases (rs768720812, gnomAD 0.01%). This sequence change replaces proline, which is neutral and non-polar, with leucine, which is neutral and non-polar, at codon 238 of the NDUFS3 protein (p.Pro238Leu).